The following is an entry in ClinVar:

ClinVar aggregate classification (germline): Conflicting classifications of pathogenicity. Review status: criteria provided, conflicting classifications (1 of 4 stars). 3 submissions from 3 submitters: Uncertain significance (2); Likely benign (1). Last evaluated 2025-09-21.

Conditions:
Hajdu-Cheney syndrome (HJCYS). Also called: ACROOSTEOLYSIS WITH OSTEOPOROSIS AND CHANGES IN SKULL AND MANDIBLE; Acroosteolysis dominant type; SERPENTINE FIBULA-POLYCYSTIC KIDNEY SYNDROME. Identifiers: Orphanet 955, MedGen C0917715, MONDO:0007057, OMIM 102500.
Alagille syndrome due to a NOTCH2 point mutation. Also called: Alagille syndrome 2. Identifiers: Orphanet 261629, Orphanet 52, MedGen C1857761, MONDO:0012439, OMIM 610205.

Allele frequency attached by ClinVar (database versions not stated): gnomAD 0.00004; TOPMed 0.00005; ESP Exome Variant Server 0.00008.
gnomAD v4.1: 82 of 1,613,812 alleles (0.0051%); highest among the groups gnomAD compares: Middle Eastern, 0.052%; no homozygotes.

Submissions (3):

Labcorp Genetics (formerly Invitae), Labcorp
Classification: Uncertain significance for Hajdu-Cheney syndrome. Last evaluated: 2025-09-21. Review status: criteria provided, single submitter. Criteria: Invitae Variant Classification Sherloc (09022015). Collection method: clinical testing. Allele origin: germline.
Comment: This sequence change replaces arginine, which is basic and polar, with glutamine, which is neutral and polar, at codon 1875 of the NOTCH2 protein (p.Arg1875Gln). This variant is present in population databases (rs148613210, gnomAD 0.02%). This variant has not been reported in the literature in individuals affected with NOTCH2-related conditions. ClinVar contains an entry for this variant (Variation ID: 1310937). Invitae Evidence Modeling of protein sequence and biophysical properties (such as structural, functional, and spatial information, amino acid conservation, physicochemical variation, residue mobility, and thermodynamic stability) indicates that this missense variant is not expected to disrupt NOTCH2 protein function with a negative predictive value of 80%. In summary, the available evidence is currently insufficient to determine the role of this variant in disease. Therefore, it has been classified as a Variant of Uncertain Significance.

Johns Hopkins Genomics, Johns Hopkins University
Classification: Likely benign for Alagille syndrome due to a NOTCH2 point mutation. Last evaluated: 2022-02-28. Review status: criteria provided, single submitter. Criteria: ACMG Guidelines, 2015. Collection method: clinical testing. Allele origin: germline.

GeneDx
Classification: Uncertain significance. Last evaluated: 2019-12-05. Review status: criteria provided, single submitter. Criteria: GeneDx Variant Classification Process June 2021. Collection method: clinical testing. Allele origin: germline. Affected: yes.
Comment: In silico analysis, which includes protein predictors and evolutionary conservation, supports a deleterious effect; Has not been previously published as pathogenic or benign to our knowledge

NM_024408.4(NOTCH2):c.5624G>A (p.Arg1875Gln)

Gene: NOTCH2 (notch receptor 2; minus strand). Cytogenetic location: 1p12.
Variant type: single nucleotide variant.
Coding change: c.5624G>A on transcript NM_024408.4 (MANE Select); coding-DNA position 5624, G replaced by A.
Protein change: p.Arg1875Gln; replaces arginine 1875 with glutamine.
Molecular consequence: missense variant.
Genome position (GRCh38, 1-based): chr1:119,919,469, C>T on the plus strand (G>A on the coding strand, the complement: NOTCH2 is on the minus strand). VCF-style: chr1-119919469-C-T. GRCh37 (hg19) VCF-style: chr1-120462092-C-T.
Other names: short protein forms R1875Q.
Identifiers: ClinVar variation 1310937 (VCV001310937.8), dbSNP rs148613210, ClinGen allele CA1039591.